The following is an entry in ClinVar:

NM_001394372.1(BICRA):c.1479G>A (p.Val493=)

Gene: BICRA (BRD4 interacting chromatin remodeling complex associated protein; plus strand). Cytogenetic location: 19q13.33.
Variant type: single nucleotide variant.
Coding change: c.1479G>A on transcript NM_001394372.1 (MANE Select); coding-DNA position 1479, G replaced by A.
Protein change: p.Val493=; no amino-acid change (valine 493 retained).
Molecular consequence: synonymous variant.
Genome position (GRCh38, 1-based): chr19:47,680,649, G>A. VCF-style: chr19-47680649-G-A. GRCh37 (hg19) VCF-style: chr19-48183906-G-A.
Other names: c.1479G>A, p.Val493= (NM_015711.3).
Identifiers: ClinVar variation 3770933 (VCV003770933.14).

ClinVar aggregate classification (germline): Likely benign. Review status: criteria provided, multiple submitters, no conflicts (2 of 4 stars). 2 submissions from 2 submitters: Likely benign (2). Last evaluated 2026-02-01.

gnomAD v4.1: 360 of 1,608,788 alleles (0.022%); highest among the groups gnomAD compares: South Asian, 0.3%; 4 homozygotes.

Submissions (2):

CeGaT Center for Human Genetics Tuebingen
Classification: Likely benign. Last evaluated: 2026-02-01. Review status: criteria provided, single submitter. Criteria: CeGaT Center For Human Genetics Tuebingen Variant Classification Criteria Version 2. Collection method: clinical testing. Allele origin: germline. Affected: yes. Observed: 3 variant alleles.
Comment: BICRA: BP4, BP7

Blueprint Genetics
Classification: Likely benign. Last evaluated: 2024-11-13. Review status: criteria provided, single submitter. Criteria: ACMG Guidelines, 2015. Collection method: clinical testing. Allele origin: germline.